The following is an entry in ClinVar:

ClinVar aggregate classification (germline): Likely benign. Review status: criteria provided, multiple submitters, no conflicts (2 of 4 stars). 3 submissions from 3 submitters: Likely benign (2). 1 of the submissions does not count toward it. Last evaluated 2021-07-19.

Conditions:
Body mass index quantitative trait locus 12 (BMIQ12). Also called: OBESITY (BMIQ12), SUSCEPTIBILITY TO; Obesity, susceptibility to, BMIQ12. Identifiers: MedGen C2676498, OMIM 612362.
Obesity due to prohormone convertase I deficiency. Also called: OBESITY AND ENDOCRINOPATHY DUE TO IMPAIRED PROCESSING OF PROHORMONES. Identifiers: Orphanet 71528, MedGen C1833053, MONDO:0010961, OMIM 600955.
PCSK1-related disorder. Also called: PCSK1-related condition.

Allele frequency attached by ClinVar (database versions not stated): gnomAD exomes below 0.00001 and 0.00001; ExAC 0.00001; TOPMed 0.00002; gnomAD 0.00003.
gnomAD v4.1: 18 of 1,611,800 alleles (0.0011%); highest among the groups gnomAD compares: Non-Finnish European, 0.0014%; no homozygotes.

Submissions (3):

Fulgent Genetics
Classification: Likely benign for Obesity due to prohormone convertase I deficiency; Body mass index quantitative trait locus 12. Last evaluated: 2021-07-19. Review status: criteria provided, single submitter. Criteria: ACMG Guidelines, 2015. Collection method: clinical testing. Allele origin: unknown.

Labcorp Genetics (formerly Invitae), Labcorp
Classification: Likely benign. Last evaluated: 2018-03-29. Review status: criteria provided, single submitter. Criteria: Invitae Variant Classification Sherloc (09022015). Collection method: clinical testing. Allele origin: germline.

PreventionGenetics, part of Exact Sciences
Classification: Likely benign for PCSK1-related condition. Last evaluated: 2021-11-03. Review status: no assertion criteria provided. Collection method: clinical testing. Allele origin: germline. Not counted in ClinVar's aggregate classification.
Comment: This variant is classified as likely benign based on ACMG/AMP sequence variant interpretation guidelines (Richards et al. 2015 PMID: 25741868, with internal and published modifications).

NM_000439.5(PCSK1):c.352C>T (p.Leu118=)

Genes: PCSK1 (proprotein convertase subtilisin/kexin type 1; minus strand), CAST (calpastatin; plus strand), LOC101929710 (uncharacterized LOC101929710; plus strand). Cytogenetic location: 5q15.
Variant type: single nucleotide variant.
Coding change: c.352C>T on transcript NM_000439.5 (MANE Select); coding-DNA position 352, C replaced by T.
Protein change: p.Leu118=; no amino-acid change (leucine 118 retained).
Molecular consequence: synonymous variant.
Genome position (GRCh38, 1-based): chr5:96,425,864, G>A on the plus strand (C>T on the coding strand, the complement: PCSK1 is on the minus strand). VCF-style: chr5-96425864-G-A. GRCh37 (hg19) VCF-style: chr5-95761568-G-A.
Other names: c.211C>T, p.Leu71= (NM_001177875.2).
Identifiers: ClinVar variation 736176 (VCV000736176.6), dbSNP rs750104173, ClinGen allele CA3350512.